The following is an entry in ClinVar:

NM_004360.5(CDH1):c.1937-7del

Gene: CDH1 (cadherin 1; plus strand). Cytogenetic location: 16q22.1.
Variant type: Deletion.
Coding change: c.1937-7del on transcript NM_004360.5 (MANE Select); 7 bases into the intron before coding-DNA position 1937, one base deleted (T; older notation c.1937-7delT).
Molecular consequence: intron variant.
Genome position (GRCh38, 1-based): chr16:68,823,392, T deleted; the last of 3 consecutive T bases (chr16:68,823,390-68,823,392); deleting any one gives the same sequence. VCF-style (leftmost placement, unchanged base first): chr16-68823389-CT-C. GRCh37 (hg19) VCF-style: chr16-68857292-CT-C.
Other names: c.389-7del (NM_001317185.2); c.-29-7del (NM_001317186.2); c.1754-7del (NM_001317184.2).
Identifiers: ClinVar variation 3379180 (VCV003379180.1).

ClinVar aggregate classification (germline): Likely benign (1 of 4 stars; one submission).

Conditions:
Hereditary diffuse gastric adenocarcinoma (HDGC). Also called: DIFFUSE GASTRIC AND LOBULAR BREAST CANCER SYNDROME. Identifiers: Orphanet 26106, MedGen C1708349, MONDO:0007648, OMIM 137215.

Submission:

Myriad Genetics, Inc.
Classification: Likely benign for Hereditary diffuse gastric adenocarcinoma. Last evaluated: 2024-09-20. Review status: criteria provided, single submitter. Criteria: Myriad Autosomal Dominant, Autosomal Recessive and X-Linked Classification Criteria (2023). Collection method: clinical testing. Allele origin: unknown.
Comment: This variant is considered likely benign. This variant is intronic and is not expected to impact mRNA splicing.